The following is an entry in ClinVar:

ClinVar aggregate classification (germline): Uncertain significance (1 of 4 stars; one submission).

Conditions:
Inborn genetic diseases. Identifiers: MedGen C0950123, MeSH D030342.

Submission:

Ambry Genetics
Classification: Uncertain significance for Inborn genetic diseases. Last evaluated: 2023-09-13. Review status: criteria provided, single submitter. Criteria: Ambry Variant Classification Scheme 2023. Collection method: clinical testing. Allele origin: germline.
Comment: The p.A2135G variant (also known as c.6404C>G), located in coding exon 44 of the LRRK2 gene, results from a C to G substitution at nucleotide position 6404. The alanine at codon 2135 is replaced by glycine, an amino acid with similar properties. This amino acid position is conserved. In addition, this alteration is predicted to be tolerated by in silico analysis. Since supporting evidence is limited at this time, the clinical significance of this alteration remains unclear.

NM_198578.4(LRRK2):c.6404C>G (p.Ala2135Gly)

Gene: LRRK2 (leucine rich repeat kinase 2; plus strand). Cytogenetic location: 12q12.
Variant type: single nucleotide variant.
Coding change: c.6404C>G on transcript NM_198578.4 (MANE Select); coding-DNA position 6404, C replaced by G.
Protein change: p.Ala2135Gly; replaces alanine 2135 with glycine.
Molecular consequence: missense variant.
Genome position (GRCh38, 1-based): chr12:40,351,561, C>G. VCF-style: chr12-40351561-C-G. GRCh37 (hg19) VCF-style: chr12-40745363-C-G.
Other names: short protein forms A2135G.
Identifiers: ClinVar variation 2587312 (VCV002587312.2), dbSNP rs2499981394, ClinGen allele CA384406529.
Genomic context (GRCh38, chr12:40,351,561, plus strand): 5'-TCGATAAGTACTGTTTTGTTATCTTTAAACTTTCTCAGGTCTTTGACATTTTGAATTCAG[C>G]TGAATTAGTCTGTCTGACGAGACGCATTTTATTACCTAAAAACGTAATTGTTGAATGCAT-3'
Protein context (NP_940980.4, residues 2125-2145): SAQVFDILNS[Ala2135Gly]ELVCLTRRIL